The following is an entry in ClinVar:

NM_001201550.3(CFHR4):c.118C>T (p.Arg40Cys)

Gene: CFHR4 (complement factor H related 4; plus strand). Cytogenetic location: 1q31.3.
Variant type: single nucleotide variant.
Coding change: c.118C>T on transcript NM_001201550.3 (MANE Select); coding-DNA position 118, C replaced by T.
Protein change: p.Arg40Cys; replaces arginine 40 with cysteine.
Molecular consequence: missense variant.
Genome position (GRCh38, 1-based): chr1:196,902,477, C>T. VCF-style: chr1-196902477-C-T. GRCh37 (hg19) VCF-style: chr1-196871607-C-T.
Other names: c.115C>T, p.Arg39Cys (NM_001201551.2); c.118C>T, p.Arg40Cys (NM_006684.5); short protein forms R39C, R40C.
Identifiers: ClinVar variation 1712440 (VCV001712440.4), dbSNP rs200339924, ClinGen allele CA1306740.

ClinVar aggregate classification (germline): Conflicting classifications of pathogenicity. Review status: criteria provided, conflicting classifications (1 of 4 stars). 3 submissions from 3 submitters: Uncertain significance (1); Likely benign (2). Last evaluated 2024-11-25.

Conditions:
Kidney disorder. Also called: renal disease; renal disorder; Nephropathy; Kidney disease; Kidney Diseases. Identifiers: MedGen C0022658, MONDO:0005240, HP:0000112.

Allele frequency attached by ClinVar (database versions not stated): ESP Exome Variant Server 0.00008; gnomAD 0.00018; TOPMed 0.00023; 1000 Genomes Project 0.00040; 1000 Genomes Project 30x 0.00047; ExAC 0.00053.
gnomAD v4.1: 306 of 1,611,718 alleles (0.019%); highest among the groups gnomAD compares: East Asian, 0.45%; 8 homozygotes.

Submissions (3):

Blueprint Genetics
Classification: Likely benign. Last evaluated: 2024-11-25. Review status: criteria provided, single submitter. Criteria: ACMG Guidelines, 2015. Collection method: clinical testing. Allele origin: germline.

Women's Health and Genetics/Laboratory Corporation of America, LabCorp
Classification: Likely benign. Last evaluated: 2024-10-04. Review status: criteria provided, single submitter. Criteria: LabCorp Variant Classification Summary - May 2015. Collection method: clinical testing. Allele origin: germline.
Comment: Variant summary: CFHR4 c.118C>T (p.Arg40Cys) results in a non-conservative amino acid change located in the Sushi/SCR/CCP domain (IPR000436) of the encoded protein sequence. Four of five in-silico tools predict a benign effect of the variant on protein function. The variant allele was found at a frequency of 0.00052 in 249702 control chromosomes in the gnomAD database, including 2 homozygotes. The observed variant frequency is approximately 3.29 fold of the estimated maximal expected allele frequency for a pathogenic variant in CFHR4 causing Genetic Atypical Hemolytic Uremic Syndrome phenotype (0.00016). c.118C>T has been reported in the literature in individuals affected with Genetic Atypical Hemolytic Uremic Syndrome, without strong evidence for causality (Yun_2020). These report(s) do not provide unequivocal conclusions about association of the variant with Genetic Atypical Hemolytic Uremic Syndrome. To our knowledge, no experimental evidence demonstrating an impact on protein function has been reported. The following publication has been ascertained in the context of this evaluation (PMID: 33213850). ClinVar contains an entry for this variant (Variation ID: 1712440). Based on the evidence outlined above, the variant was classified as likely benign.

Genome Diagnostics Laboratory, The Hospital for Sick Children
Classification: Uncertain significance for Kidney disorder. Last evaluated: 2017-05-01. Review status: criteria provided, single submitter. Criteria: ACMG Guidelines, 2015. Collection method: clinical testing. Allele origin: germline.

Literature cited by the submitters: PubMed 33213850 (cited by Women's Health and Genetics/Laboratory Corporation of America, LabCorp).